The following is an entry in ClinVar:

NM_001082971.2(DDC):c.135T>C (p.Ala45=)

Gene: DDC (dopa decarboxylase; minus strand). Cytogenetic location: 7p12.1.
Variant type: single nucleotide variant.
Coding change: c.135T>C on transcript NM_001082971.2 (MANE Select); coding-DNA position 135, T replaced by C.
Protein change: p.Ala45=; no amino-acid change (alanine 45 retained).
Molecular consequence: synonymous variant.
Genome position (GRCh38, 1-based): chr7:50,543,951, A>G on the plus strand (T>C on the coding strand, the complement: DDC is on the minus strand). VCF-style: chr7-50543951-A-G. GRCh37 (hg19) VCF-style: chr7-50611649-A-G.
Other names: c.135T>C, p.Ala45= (NM_000790.4, NM_001242886.2, NM_001242887.2 and 3 more transcripts).
Identifiers: ClinVar variation 911253 (VCV000911253.18), dbSNP rs11575291, ClinGen allele CA4262489.

ClinVar aggregate classification (germline): Conflicting classifications of pathogenicity. Review status: criteria provided, conflicting classifications (1 of 4 stars). 4 submissions from 4 submitters: Uncertain significance (1); Benign (1); Likely benign (1). 1 of the submissions does not count toward it. Last evaluated 2026-06-01.

Conditions:
DDC-related disorder. Also called: DDC-related condition.
Deficiency of aromatic-L-amino-acid decarboxylase. Also called: AADC DEFICIENCY; Aromatic L-Amino Acid Decarboxylase Deficiency; Aromatic amino acid decarboxylase deficiency; DDC DEFICIENCY; DOPA DECARBOXYLASE DEFICIENCY. Identifiers: Orphanet 35708, MedGen C1291564, MONDO:0012084, OMIM 608643.

Allele frequency attached by ClinVar (database versions not stated): gnomAD 0.00006 and 0.00007; gnomAD exomes 0.00007 and 0.00031; TOPMed 0.00019; ExAC 0.00022; 1000 Genomes Project 30x 0.00047; 1000 Genomes Project 0.00060.
gnomAD v4.1: 103 of 1,614,170 alleles (0.0064%); highest among the groups gnomAD compares: Admixed American, 0.17%; no homozygotes.

Submissions (4):

CeGaT Center for Human Genetics Tuebingen
Classification: Likely benign. Last evaluated: 2026-06-01. Review status: criteria provided, single submitter. Criteria: CeGaT Center For Human Genetics Tuebingen Variant Classification Criteria Version 2. Collection method: clinical testing. Allele origin: germline. Affected: yes. Observed: 2 variant alleles.
Comment: DDC: BP4, BP7

Labcorp Genetics (formerly Invitae), Labcorp
Classification: Benign for Deficiency of aromatic-L-amino-acid decarboxylase. Last evaluated: 2026-01-26. Review status: criteria provided, single submitter. Criteria: Invitae Variant Classification Sherloc (09022015). Collection method: clinical testing. Allele origin: germline.

Illumina Laboratory Services, Illumina
Classification: Uncertain significance for Deficiency of aromatic-L-amino-acid decarboxylase. Last evaluated: 2018-01-12. Review status: criteria provided, single submitter. Criteria: ICSL Variant Classification Criteria 13 December 2019. Collection method: clinical testing. Allele origin: germline.

PreventionGenetics, part of Exact Sciences
Classification: Likely benign for DDC-related condition. Last evaluated: 2020-01-27. Review status: no assertion criteria provided. Collection method: clinical testing. Allele origin: germline. Not counted in ClinVar's aggregate classification.
Comment: This variant is classified as likely benign based on ACMG/AMP sequence variant interpretation guidelines (Richards et al. 2015 PMID: 25741868, with internal and published modifications).